The following is an entry in ClinVar:

ClinVar aggregate classification (germline): Conflicting classifications of pathogenicity. Review status: criteria provided, conflicting classifications (1 of 4 stars). 2 submissions from 2 submitters: Uncertain significance (1); Likely benign (1). Last evaluated 2023-01-02.

Conditions:
Combined oxidative phosphorylation defect type 14. Also called: Combined oxidative phosphorylation deficiency 14. Identifiers: Orphanet 319519, MedGen C4755312, MONDO:0013986, OMIM 614946.

Allele frequency attached by ClinVar (database versions not stated): ExAC 0.00001; gnomAD 0.00001; gnomAD exomes 0.00001; TOPMed 0.00001.
gnomAD v4.1: 4 of 1,598,744 alleles (0.00025%); highest among the groups gnomAD compares: African/African-American, 0.0013%; no homozygotes.

Submissions (2):

Blueprint Genetics
Classification: Likely benign. Last evaluated: 2023-01-02. Review status: criteria provided, single submitter. Criteria: ACMG Guidelines, 2015. Collection method: clinical testing. Allele origin: germline.

Labcorp Genetics (formerly Invitae), Labcorp
Classification: Uncertain significance for Combined oxidative phosphorylation defect type 14. Last evaluated: 2020-07-14. Review status: criteria provided, single submitter. Criteria: Invitae Variant Classification Sherloc (09022015). Collection method: clinical testing. Allele origin: germline.
Comment: This variant has not been reported in the literature in individuals with FARS2-related conditions. Algorithms developed to predict the effect of missense changes on protein structure and function output the following: SIFT: "Tolerated"; PolyPhen-2: "Benign"; Align-GVGD: "Class C0". The valine amino acid residue is found in multiple mammalian species, suggesting that this missense change does not adversely affect protein function. These predictions have not been confirmed by published functional studies and their clinical significance is uncertain. In summary, the available evidence is currently insufficient to determine the role of this variant in disease. Therefore, it has been classified as a Variant of Uncertain Significance. This variant is present in population databases (rs753691420, ExAC 0.002%). This sequence change replaces methionine with valine at codon 251 of the FARS2 protein (p.Met251Val). The methionine residue is weakly conserved and there is a small physicochemical difference between methionine and valine.

NM_006567.5(FARS2):c.751A>G (p.Met251Val)

Gene: FARS2 (phenylalanyl-tRNA synthetase 2, mitochondrial; plus strand). Cytogenetic location: 6p25.1.
Variant type: single nucleotide variant.
Coding change: c.751A>G on transcript NM_006567.5 (MANE Select); coding-DNA position 751, A replaced by G.
Protein change: p.Met251Val; replaces methionine 251 with valine.
Molecular consequence: missense variant.
Genome position (GRCh38, 1-based): chr6:5,404,680, A>G. VCF-style: chr6-5404680-A-G. GRCh37 (hg19) VCF-style: chr6-5404913-A-G.
Other names: c.751A>G, p.Met251Val (NM_001318872.2, NM_001374875.1, NM_001374876.1 and 5 more transcripts); c.55A>G, p.Met19Val (NM_001375259.1, NM_001375260.1); short protein forms M19V, M251V.
Identifiers: ClinVar variation 1000763 (VCV001000763.9), dbSNP rs753691420, ClinGen allele CA3623723.
Genomic context (GRCh38, chr6:5,404,680, plus strand): 5'-CACACCATGGAGGCCGTGAAGCTTGTAGAGTTTGATCTTAAGCAAACGCTTACCAGGCTC[A>G]TGGCACATCTTTTTGGAGATGGTAAGTGCTCAAACACAGGTTGACGATCTCTTATCTGAA-3'
Protein context (NP_006558.1, residues 241-261): FDLKQTLTRL[Met251Val]AHLFGDELEI